The following is an entry in ClinVar:

NM_001098.3(ACO2):c.2327A>T (p.Lys776Met)

Genes: ACO2 (aconitase 2; plus strand), POLR3H (RNA polymerase III subunit H; minus strand). Cytogenetic location: 22q13.2.
Variant type: single nucleotide variant.
Coding change: c.2327A>T on transcript NM_001098.3 (MANE Select); coding-DNA position 2327, A replaced by T.
Protein change: p.Lys776Met; replaces lysine 776 with methionine.
Molecular consequence: missense variant. On other transcripts: 3 prime UTR variant (5).
Genome position (GRCh38, 1-based): chr22:41,528,597, A>T. VCF-style: chr22-41528597-A-T. GRCh37 (hg19) VCF-style: chr22-41924601-A-T.
Other names: c.*686T>A (NM_001018050.4, NM_001018052.4, NM_001282884.2 and 2 more transcripts); short protein forms K776M.
Identifiers: ClinVar variation 1520110 (VCV001520110.7), dbSNP rs1465886571, ClinGen allele CA411729782.

ClinVar aggregate classification (germline): Uncertain significance. Review status: criteria provided, multiple submitters, no conflicts (2 of 4 stars). 2 submissions from 2 submitters: Uncertain significance (2). Last evaluated 2025-01-27.

Allele frequency attached by ClinVar (database versions not stated): gnomAD exomes below 0.00001; TOPMed below 0.00001.
gnomAD v4.1: 4 of 1,611,614 alleles (0.00025%); highest among the groups gnomAD compares: African/African-American, 0.0053%; no homozygotes.

Submissions (2):

Labcorp Genetics (formerly Invitae), Labcorp
Classification: Uncertain significance. Last evaluated: 2025-01-27. Review status: criteria provided, single submitter. Criteria: Invitae Variant Classification Sherloc (09022015). Collection method: clinical testing. Allele origin: germline.
Comment: This sequence change replaces lysine, which is basic and polar, with methionine, which is neutral and non-polar, at codon 776 of the ACO2 protein (p.Lys776Met). This variant is not present in population databases (gnomAD no frequency). This variant has not been reported in the literature in individuals affected with ACO2-related conditions. ClinVar contains an entry for this variant (Variation ID: 1520110). Invitae Evidence Modeling of protein sequence and biophysical properties (such as structural, functional, and spatial information, amino acid conservation, physicochemical variation, residue mobility, and thermodynamic stability) indicates that this missense variant is expected to disrupt ACO2 protein function with a positive predictive value of 95%. In summary, the available evidence is currently insufficient to determine the role of this variant in disease. Therefore, it has been classified as a Variant of Uncertain Significance.

Blueprint Genetics
Classification: Uncertain significance. Last evaluated: 2023-11-06. Review status: criteria provided, single submitter. Criteria: ACMG Guidelines, 2015. Collection method: clinical testing. Allele origin: germline.